The following is an entry in ClinVar:

ClinVar aggregate classification (germline): Uncertain significance. Review status: criteria provided, multiple submitters, no conflicts (2 of 4 stars). 3 submissions from 3 submitters: Uncertain significance (2). 1 of the submissions does not count toward it. Last evaluated 2025-10-16.

Conditions:
RFWD3-related disorder. Also called: RFWD3-related condition.

Allele frequency attached by ClinVar (database versions not stated): ExAC 0.00021; 1000 Genomes Project 0.00060; gnomAD 0.00060; TOPMed 0.00067; ESP Exome Variant Server 0.00069; 1000 Genomes Project 30x 0.00094.

Submissions (3):

Labcorp Genetics (formerly Invitae), Labcorp
Classification: Uncertain significance. Last evaluated: 2025-10-16. Review status: criteria provided, single submitter. Criteria: Invitae Variant Classification Sherloc (09022015). Collection method: clinical testing. Allele origin: germline.
Comment: This sequence change replaces arginine, which is basic and polar, with cysteine, which is neutral and slightly polar, at codon 756 of the RFWD3 protein (p.Arg756Cys). This variant is present in population databases (rs150221303, gnomAD 0.2%), and has an allele count higher than expected for a pathogenic variant. This variant has not been reported in the literature in individuals affected with RFWD3-related conditions. ClinVar contains an entry for this variant (Variation ID: 2080832). An algorithm developed to predict the effect of missense changes on protein structure and function (PolyPhen-2) suggests that this variant is likely to be tolerated. In summary, the available evidence is currently insufficient to determine the role of this variant in disease. Therefore, it has been classified as a Variant of Uncertain Significance.

Ambry Genetics
Classification: Uncertain significance. Last evaluated: 2023-12-28. Review status: criteria provided, single submitter. Criteria: Ambry Variant Classification Scheme 2023. Collection method: clinical testing. Allele origin: germline.

PreventionGenetics, part of Exact Sciences
Classification: Likely benign for RFWD3-related condition. Last evaluated: 2023-06-27. Review status: no assertion criteria provided. Collection method: clinical testing. Allele origin: germline. Not counted in ClinVar's aggregate classification.
Comment: This variant is classified as likely benign based on ACMG/AMP sequence variant interpretation guidelines (Richards et al. 2015 PMID: 25741868, with internal and published modifications).

NM_018124.4(RFWD3):c.2266C>T (p.Arg756Cys)

Gene: RFWD3 (ring finger and WD repeat domain 3; minus strand). Cytogenetic location: 16q23.1.
Variant type: single nucleotide variant.
Coding change: c.2266C>T on transcript NM_018124.4 (MANE Select); coding-DNA position 2266, C replaced by T.
Protein change: p.Arg756Cys; replaces arginine 756 with cysteine.
Molecular consequence: missense variant.
Genome position (GRCh38, 1-based): chr16:74,623,987, G>A on the plus strand (C>T on the coding strand, the complement: RFWD3 is on the minus strand). VCF-style: chr16-74623987-G-A. GRCh37 (hg19) VCF-style: chr16-74657885-G-A.
Other names: c.2266C>T (NM_018124.3); c.2266C>T, p.Arg756Cys (NM_001370534.1, NM_001370535.1); c.2089C>T, p.Arg697Cys (NM_001370536.1); c.1432C>T, p.Arg478Cys (NM_001370537.1, NM_001370539.1, NM_001370540.1 and 3 more transcripts); short protein forms R478C, R697C, R756C.
Identifiers: ClinVar variation 2080832 (VCV002080832.7), dbSNP rs150221303, ClinGen allele CA8168930.